The following is an entry in ClinVar:

ClinVar aggregate classification (germline): Conflicting classifications of pathogenicity. Review status: criteria provided, conflicting classifications (1 of 4 stars). 5 submissions from 5 submitters: Pathogenic (1); Likely pathogenic (2); Uncertain significance (2). Last evaluated 2023-11-03.

Conditions:
SKIN/HAIR/EYE PIGMENTATION 1, BLUE/NONBLUE EYES (SHEP1). Also called: SKIN/HAIR/EYE PIGMENTATION 1, BLOND/BROWN HAIR; SKIN/HAIR/EYE PIGMENTATION 1, BLUE/BROWN EYES; BROWN EYE COLOR 2; EYE COLOR 3; EYE COLOR, BLUE/NONBLUE; EYE COLOR, BROWN/BLUE. Identifiers: MedGen C1856895, OMIM 227220.
OCA2-related disorder. Also called: OCA2-related condition.

Allele frequency attached by ClinVar (database versions not stated): gnomAD exomes below 0.00001; gnomAD 0.00001; TOPMed 0.00001.
gnomAD v4.1: 8 of 1,613,894 alleles (0.0005%); highest among the groups gnomAD compares: African/African-American, 0.011%; no homozygotes.

Submissions (5):

GeneDx
Classification: Pathogenic. Last evaluated: 2023-11-03. Review status: criteria provided, single submitter. Criteria: GeneDx Variant Classification Process June 2021. Collection method: clinical testing. Allele origin: germline. Affected: yes.
Comment: Alters the last nucleotide of the exon and is predicted to destroy the splice donor site and result in aberrant splicing, although in the absence of functional evidence the actual effect of this sequence change is unknown; Not observed at significant frequency in large population cohorts (gnomAD); This variant is associated with the following publications: (PMID: 32830442, 29345414)

Baylor Genetics
Classification: Likely pathogenic for SKIN/HAIR/EYE PIGMENTATION 1, BLUE/NONBLUE EYES. Last evaluated: 2023-09-06. Review status: criteria provided, single submitter. Criteria: ACMG Guidelines, 2015. Collection method: clinical testing. Allele origin: unknown.

PreventionGenetics, part of Exact Sciences
Classification: Uncertain significance for OCA2-related condition. Last evaluated: 2023-04-25. Review status: criteria provided, single submitter. Criteria: ACMG Guidelines, 2015. Collection method: clinical testing. Allele origin: germline.
Comment: The OCA2 c.2079G>A variant is not predicted to result in an amino acid change (p.=). This variant affects the last nucleotide of the exon and is predicted to significantly weaken the canonical donor splice site (Alamut Visual Plus v1.6.1). This variant has been reported in one individual with oculocutaneous albinism II; however, additional information on segregation and presence of second variant was not provided (Table S18 in Lasseaux et al. 2018. PubMed ID: 29345414). This variant has not been reported in a large population database, indicating this variant is rare. Although we suspect that this variant may be pathogenic, at this time, the clinical significance of this variant is uncertain due to the absence of conclusive functional and genetic evidence.

Labcorp Genetics (formerly Invitae), Labcorp
Classification: Uncertain significance. Last evaluated: 2022-02-27. Review status: criteria provided, single submitter. Criteria: Invitae Variant Classification Sherloc (09022015). Collection method: clinical testing. Allele origin: germline.
Comment: This sequence change affects codon 693 of the OCA2 mRNA. It is a 'silent' change, meaning that it does not change the encoded amino acid sequence of the OCA2 protein. This variant also falls at the last nucleotide of exon 19, which is part of the consensus splice site for this exon. This variant is not present in population databases (gnomAD no frequency). This variant has been observed in individual(s) with ocular albinism (PMID: 29345414). ClinVar contains an entry for this variant (Variation ID: 623862). Variants that disrupt the consensus splice site are a relatively common cause of aberrant splicing (PMID: 17576681, 9536098). Algorithms developed to predict the effect of sequence changes on RNA splicing suggest that this variant may disrupt the consensus splice site. In summary, the available evidence is currently insufficient to determine the role of this variant in disease. Therefore, it has been classified as a Variant of Uncertain Significance.

CeGaT Center for Human Genetics Tuebingen
Classification: Likely pathogenic. Last evaluated: 2018-07-01. Review status: criteria provided, single submitter. Criteria: CeGaT Center For Human Genetics Tuebingen Variant Classification Criteria Version 2. Collection method: clinical testing. Allele origin: germline. Affected: yes. Observed: 1 variant allele.

Literature cited by the submitters: PubMed 29345414 (cited by Labcorp Genetics (formerly Invitae), Labcorp); PubMed 17576681 (cited by Labcorp Genetics (formerly Invitae), Labcorp); PubMed 9536098 (cited by Labcorp Genetics (formerly Invitae), Labcorp).

NM_000275.3(OCA2):c.2079G>A (p.Glu693=)

Gene: OCA2 (OCA2 melanosomal transmembrane protein; minus strand). Cytogenetic location: 15q13.1.
Variant type: single nucleotide variant.
Coding change: c.2079G>A on transcript NM_000275.3 (MANE Select); coding-DNA position 2079, G replaced by A.
Protein change: p.Glu693=; no amino-acid change (glutamic acid 693 retained).
Molecular consequence: synonymous variant.
Genome position (GRCh38, 1-based): chr15:27,926,127, C>T on the plus strand (G>A on the coding strand, the complement: OCA2 is on the minus strand). VCF-style: chr15-27926127-C-T. GRCh37 (hg19) VCF-style: chr15-28171273-C-T.
Other names: c.2007G>A, p.Glu669= (NM_001300984.2); c.2079G>A (NM_000275.2).
Identifiers: ClinVar variation 623862 (VCV000623862.45), dbSNP rs1374558186, ClinGen allele CA488959248.